The following is an entry in ClinVar:

ClinVar aggregate classification (germline): Conflicting classifications of pathogenicity. Review status: criteria provided, conflicting classifications (1 of 4 stars). 3 submissions from 1 submitter: Uncertain significance (2); Likely benign (1). Last evaluated 2018-01-13.

Conditions:
Age related macular degeneration 5. Identifiers: MedGen C3151063, MONDO:0013409, OMIM 613761.
Cockayne syndrome type 2 (CSB). Also called: COCKAYNE SYNDROME B; Cockayne Syndrome, Type II. Identifiers: Orphanet 191, Orphanet 90322, MedGen C0751038, MONDO:0019570, OMIM 133540.
Cerebrooculofacioskeletal syndrome 1 (COFS1). Also called: Cerebro-oculo-facio-skeletal syndrome 1. Identifiers: MedGen C0220722, MONDO:0008955, OMIM 214150.

Allele frequency attached by ClinVar (database versions not stated): 1000 Genomes Project 30x 0.00031; 1000 Genomes Project 0.00040; TOPMed 0.00190; gnomAD 0.00276 and 0.00291.

Submissions (3):

Illumina Laboratory Services, Illumina
Classification: Uncertain significance for Cockayne syndrome type 2. Last evaluated: 2018-01-13. Review status: criteria provided, single submitter. Criteria: ICSL Variant Classification Criteria 13 December 2019. Collection method: clinical testing. Allele origin: germline.

Illumina Laboratory Services, Illumina
Classification: Uncertain significance for Cerebrooculofacioskeletal syndrome 1. Last evaluated: 2018-01-13. Review status: criteria provided, single submitter. Criteria: ICSL Variant Classification Criteria 13 December 2019. Collection method: clinical testing. Allele origin: germline.

Illumina Laboratory Services, Illumina
Classification: Likely benign for Age related macular degeneration 5. Last evaluated: 2018-01-13. Review status: criteria provided, single submitter. Criteria: ICSL Variant Classification Criteria 13 December 2019. Collection method: clinical testing. Allele origin: germline.
Comment: This variant was observed in the ICSL laboratory as part of a predisposition screen in an ostensibly healthy population. It had not been previously curated by ICSL or reported in the Human Gene Mutation Database (HGMD: prior to June 1st, 2018), and was therefore a candidate for classification through an automated scoring system. Utilizing variant allele frequency, disease prevalence and penetrance estimates, and inheritance mode, an automated score was calculated to assess if this variant is too frequent to cause the disease. Based on the score and internal cut-off values, a variant classified as likely benign is not then subjected to further curation. The score for this variant resulted in a classification of likely benign for this disease.

NM_000124.4(ERCC6):c.*3280A>G

Gene: ERCC6 (ERCC excision repair 6, chromatin remodeling factor; minus strand). Cytogenetic location: 10q11.23.
Variant type: single nucleotide variant.
Coding change: c.*3280A>G on transcript NM_000124.4 (MANE Select); 3280 bases downstream of the stop codon, A replaced by G.
Molecular consequence: 3 prime UTR variant.
Genome position (GRCh38, 1-based): chr10:49,455,535, T>C on the plus strand (A>G on the coding strand, the complement: ERCC6 is on the minus strand). VCF-style: chr10-49455535-T-C. GRCh37 (hg19) VCF-style: chr10-50663581-T-C.
Other names: c.*3280A>G (NM_001346440.2).
Identifiers: ClinVar variation 877870 (VCV000877870.4), dbSNP rs146690522, ClinGen allele CA206612518.
Genomic context (GRCh38, chr10:49,455,535, plus strand): 5'-ACTTGCCCATGAATGGCAAAACACAATGCAAAGCACCAAATGACAGCGTGAGGAGTGTGG[T>C]TGGTAGAACCAACACCTGGATCCACAGGACAGAAATAGACAACTTAGCATGTGATGAGTT-3'